The following is an entry in ClinVar:

NM_003801.4(GPAA1):c.974T>C (p.Phe325Ser)

Gene: GPAA1 (glycosylphosphatidylinositol anchor attachment 1; plus strand). Cytogenetic location: 8q24.3.
Variant type: single nucleotide variant.
Coding change: c.974T>C on transcript NM_003801.4 (MANE Select); coding-DNA position 974, T replaced by C.
Protein change: p.Phe325Ser; replaces phenylalanine 325 with serine.
Molecular consequence: missense variant.
Genome position (GRCh38, 1-based): chr8:144,084,573, T>C. VCF-style: chr8-144084573-T-C. GRCh37 (hg19) VCF-style: chr8-145139476-T-C.
Other names: c.974T>C (NM_003801.3); short protein forms F325S.
Identifiers: ClinVar variation 1499957 (VCV001499957.6), dbSNP rs782429952, ClinGen allele CA4932989.

ClinVar aggregate classification (germline): Uncertain significance. Review status: criteria provided, multiple submitters, no conflicts (2 of 4 stars). 2 submissions from 2 submitters: Uncertain significance (2). Last evaluated 2025-12-02.

Conditions:
Inborn genetic diseases. Identifiers: MedGen C0950123, MeSH D030342.

Allele frequency attached by ClinVar (database versions not stated): ExAC 0.00005; gnomAD exomes 0.00006 and 0.00003; TOPMed 0.00001.

Submissions (2):

Ambry Genetics
Classification: Uncertain significance for Inborn genetic diseases. Last evaluated: 2025-12-02. Review status: criteria provided, single submitter. Criteria: Ambry Variant Classification Scheme 2023. Collection method: clinical testing. Allele origin: germline.

Labcorp Genetics (formerly Invitae), Labcorp
Classification: Uncertain significance. Last evaluated: 2022-09-28. Review status: criteria provided, single submitter. Criteria: Invitae Variant Classification Sherloc (09022015). Collection method: clinical testing. Allele origin: germline.
Comment: This sequence change replaces phenylalanine, which is neutral and non-polar, with serine, which is neutral and polar, at codon 325 of the GPAA1 protein (p.Phe325Ser). This variant is present in population databases (rs782429952, gnomAD 0.04%). This variant has not been reported in the literature in individuals affected with GPAA1-related conditions. ClinVar contains an entry for this variant (Variation ID: 1499957). Advanced modeling of protein sequence and biophysical properties (such as structural, functional, and spatial information, amino acid conservation, physicochemical variation, residue mobility, and thermodynamic stability) performed at Invitae indicates that this missense variant is not expected to disrupt GPAA1 protein function. In summary, the available evidence is currently insufficient to determine the role of this variant in disease. Therefore, it has been classified as a Variant of Uncertain Significance.